The following is an entry in ClinVar:

ClinVar aggregate classification (germline): Likely benign (0 of 4 stars; one submission).

Conditions:
VANGL2-related disorder. Also called: VANGL2-related condition.

Allele frequency attached by ClinVar (database versions not stated): ExAC 0.00008; gnomAD exomes 0.00012; TOPMed 0.00014; 1000 Genomes Project 30x 0.00016; gnomAD 0.00019; 1000 Genomes Project 0.00020.

Submission:

PreventionGenetics, part of Exact Sciences
Classification: Likely benign for VANGL2-related condition. Last evaluated: 2019-09-17. Review status: no assertion criteria provided. Collection method: clinical testing. Allele origin: germline.
Comment: This variant is classified as likely benign based on ACMG/AMP sequence variant interpretation guidelines (Richards et al. 2015 PMID: 25741868, with internal and published modifications).

NM_020335.3(VANGL2):c.333G>A (p.Ala111=)

Gene: VANGL2 (VANGL planar cell polarity protein 2; plus strand). Cytogenetic location: 1q23.2.
Variant type: single nucleotide variant.
Coding change: c.333G>A on transcript NM_020335.3 (MANE Select); coding-DNA position 333, G replaced by A.
Protein change: p.Ala111=; no amino-acid change (alanine 111 retained).
Molecular consequence: synonymous variant.
Genome position (GRCh38, 1-based): chr1:160,419,142, G>A. VCF-style: chr1-160419142-G-A. GRCh37 (hg19) VCF-style: chr1-160388932-G-A.
Identifiers: ClinVar variation 3041156 (VCV003041156.2), dbSNP rs200356076, ClinGen allele CA1199411.